The following is an entry in ClinVar:

NM_001854.4(COL11A1):c.2808+6T>G

Gene: COL11A1 (collagen type XI alpha 1 chain; minus strand). Cytogenetic location: 1p21.1.
Variant type: single nucleotide variant.
Coding change: c.2808+6T>G on transcript NM_001854.4 (MANE Select); 6 bases into the intron after coding-DNA position 2808, T replaced by G.
Molecular consequence: intron variant.
Genome position (GRCh38, 1-based): chr1:102,974,824, A>C on the plus strand (T>G on the coding strand, the complement: COL11A1 is on the minus strand). VCF-style: chr1-102974824-A-C. GRCh37 (hg19) VCF-style: chr1-103440380-A-C.
Other names: c.2691+6T>G (NM_001190709.2); c.2844+6T>G (NM_080629.3); c.2460+6T>G (NM_080630.4).
Identifiers: ClinVar variation 4755420 (VCV004755420.1).

ClinVar aggregate classification (germline): Likely pathogenic (1 of 4 stars; one submission).

Conditions:
Marshall syndrome (MRSHS). Identifiers: Orphanet 560, MedGen C0265235, MONDO:0007949, OMIM 154780.
Stickler syndrome type 2 (STL2). Also called: STICKLER SYNDROME, BEADED VITREOUS TYPE; STICKLER SYNDROME, VITREOUS TYPE 2; COL11A1-Related Stickler Syndrome; STICKLER SYNDROME, TYPE II. Identifiers: Orphanet 828, Orphanet 90654, MedGen C1858084, MONDO:0011493, OMIM 604841.

Submission:

Genetics and Molecular Pathology, SA Pathology
Classification: Likely pathogenic for Marshall syndrome; Stickler syndrome type 2. Last evaluated: 2024-09-17. Review status: criteria provided, single submitter. Criteria: ACMG Guidelines, 2015. Collection method: clinical testing. Allele origin: germline. Affected: yes.
Comment: The COL11A1 c.2808+6T>G variant is classified as LIKELY PATHOGENIC (PM2, PP3, PM6, PP4) The COL11A1 c.2808+6T>G variant is located in a splice region of intron 36/66. This variant is absent from population databases (PM2). In Silico predictions indicate that this variant is likely to induce a cryptic donor site and affect splicing (PP3). The clinical features of this case closely correlate with Stickler Syndrome. (PP4). This variant has not been reported in dbSNP, ClinVar or HGMD.